The following is an entry in ClinVar:

NM_207352.4(CYP4V2):c.1505A>C (p.Glu502Ala)

Gene: CYP4V2 (cytochrome P450 family 4 subfamily V member 2; plus strand). Cytogenetic location: 4q35.2.
Variant type: single nucleotide variant.
Coding change: c.1505A>C on transcript NM_207352.4 (MANE Select); coding-DNA position 1505, A replaced by C.
Protein change: p.Glu502Ala; replaces glutamic acid 502 with alanine.
Molecular consequence: missense variant.
Genome position (GRCh38, 1-based): chr4:186,210,568, A>C. VCF-style: chr4-186210568-A-C. GRCh37 (hg19) VCF-style: chr4-187131722-A-C.
Other names: short protein forms E502A.
Identifiers: ClinVar variation 1378067 (VCV001378067.8), dbSNP rs1178760499, ClinGen allele CA358951067.

ClinVar aggregate classification (germline): Uncertain significance (1 of 4 stars; one submission).

Allele frequency attached by ClinVar (database versions not stated): gnomAD 0.00001; TOPMed 0.00002.
gnomAD v4.1: 21 of 1,614,084 alleles (0.0013%); highest among the groups gnomAD compares: Non-Finnish European, 0.0015%; no homozygotes.

Submission:

Labcorp Genetics (formerly Invitae), Labcorp
Classification: Uncertain significance. Last evaluated: 2021-03-10. Review status: criteria provided, single submitter. Criteria: Invitae Variant Classification Sherloc (09022015). Collection method: clinical testing. Allele origin: germline.
Comment: This variant has not been reported in the literature in individuals with CYP4V2-related conditions. In summary, the available evidence is currently insufficient to determine the role of this variant in disease. Therefore, it has been classified as a Variant of Uncertain Significance. Algorithms developed to predict the effect of missense changes on protein structure and function output the following: SIFT: "Tolerated"; PolyPhen-2: "Benign"; Align-GVGD: "Class C0". The alanine amino acid residue is found in multiple mammalian species, suggesting that this missense change does not adversely affect protein function. These predictions have not been confirmed by published functional studies and their clinical significance is uncertain. This variant is not present in population databases (ExAC no frequency). This sequence change replaces glutamic acid with alanine at codon 502 of the CYP4V2 protein (p.Glu502Ala). The glutamic acid residue is weakly conserved and there is a moderate physicochemical difference between glutamic acid and alanine.